The following is an entry in ClinVar:

NM_052859.4(RFT1):c.55C>T (p.Leu19Phe)

Genes: RFT1 (RFT1 glycolipid translocator homolog; minus strand), LOC129936883 (ATAC-STARR-seq lymphoblastoid active region 19954; plus strand). Cytogenetic location: 3p21.1.
Variant type: single nucleotide variant.
Coding change: c.55C>T on transcript NM_052859.4 (MANE Select); coding-DNA position 55, C replaced by T.
Protein change: p.Leu19Phe; replaces leucine 19 with phenylalanine.
Molecular consequence: missense variant.
Genome position (GRCh38, 1-based): chr3:53,130,346, G>A on the plus strand (C>T on the coding strand, the complement: RFT1 is on the minus strand). VCF-style: chr3-53130346-G-A. GRCh37 (hg19) VCF-style: chr3-53164362-G-A.
Other names: short protein forms L19F.
Identifiers: ClinVar variation 3617440 (VCV003617440.2).

ClinVar aggregate classification (germline): Uncertain significance (1 of 4 stars; one submission).

Conditions:
RFT1-congenital disorder of glycosylation (CDG1N). Also called: CDG In; RFT1-CDG; Congenital disorder of glycosylation type In. Identifiers: Orphanet 244310, MedGen C2677590, MONDO:0012783, OMIM 612015.

gnomAD v4.1: 20 of 1,568,536 alleles (0.0013%); highest among the groups gnomAD compares: Admixed American, 0.028%; no homozygotes.

Submission:

Labcorp Genetics (formerly Invitae), Labcorp
Classification: Uncertain significance for RFT1-congenital disorder of glycosylation. Last evaluated: 2024-12-19. Review status: criteria provided, single submitter. Criteria: Invitae Variant Classification Sherloc (09022015). Collection method: clinical testing. Allele origin: germline.
Comment: This sequence change replaces leucine, which is neutral and non-polar, with phenylalanine, which is neutral and non-polar, at codon 19 of the RFT1 protein (p.Leu19Phe). This variant is present in population databases (no rsID available, gnomAD 0.03%). This variant has not been reported in the literature in individuals affected with RFT1-related conditions. Invitae Evidence Modeling of protein sequence and biophysical properties (such as structural, functional, and spatial information, amino acid conservation, physicochemical variation, residue mobility, and thermodynamic stability) indicates that this missense variant is not expected to disrupt RFT1 protein function with a negative predictive value of 80%. In summary, the available evidence is currently insufficient to determine the role of this variant in disease. Therefore, it has been classified as a Variant of Uncertain Significance.